The following is an entry in ClinVar:

ClinVar aggregate classification (germline): Pathogenic (1 of 4 stars; one submission).

Conditions:
Hereditary cancer-predisposing syndrome. Also called: Tumor predisposition; Neoplastic Syndromes, Hereditary; Hereditary neoplastic syndrome; Hereditary Cancer Syndrome. Identifiers: Orphanet 140162, MedGen C0027672, MeSH D009386, MONDO:0015356.

Submission:

Ambry Genetics
Classification: Pathogenic for Hereditary cancer-predisposing syndrome. Last evaluated: 2024-08-19. Review status: criteria provided, single submitter. Criteria: Ambry Variant Classification Scheme 2023. Collection method: clinical testing. Allele origin: germline.
Comment: The c.2029dupA pathogenic mutation, located in coding exon 12 of the ATM gene, results from a duplication of A at nucleotide position 2029, causing a translational frameshift with a predicted alternate stop codon (p.S677Kfs*28). This alteration is expected to result in loss of function by premature protein truncation or nonsense-mediated mRNA decay. As such, this alteration is interpreted as a disease-causing mutation.

NM_000051.4(ATM):c.2029dup (p.Ser677fs)

Gene: ATM (ATM serine/threonine kinase; plus strand). Cytogenetic location: 11q22.3.
Variant type: Duplication.
Coding change: c.2029dup on transcript NM_000051.4 (MANE Select); coding-DNA position 2029, one base duplicated (A; older notation c.2029dupA).
Protein change: p.Ser677fs; shifts the reading frame from serine 677.
Molecular consequence: frameshift variant.
Genome position (GRCh38, 1-based): chr11:108,253,944, A duplicated. VCF-style (leftmost placement, unchanged base first): chr11-108253943-C-CA. GRCh37 (hg19) VCF-style: chr11-108124670-C-CA.
Other names: c.2029dup, p.Ser677fs (NM_001351834.2); c.2029dupA (NM_000051.3); short protein forms S677fs.
Identifiers: ClinVar variation 3450561 (VCV003450561.1).